The following is an entry in ClinVar:

NM_005744.5(ARIH1):c.1215+9A>G

Gene: ARIH1 (ariadne RBR E3 ubiquitin protein ligase 1; plus strand). Cytogenetic location: 15q24.1.
Variant type: single nucleotide variant.
Coding change: c.1215+9A>G on transcript NM_005744.5 (MANE Select); 9 bases into the intron after coding-DNA position 1215, A replaced by G.
Molecular consequence: intron variant.
Genome position (GRCh38, 1-based): chr15:72,572,174, A>G. VCF-style: chr15-72572174-A-G. GRCh37 (hg19) VCF-style: chr15-72864515-A-G.
Other names: c.1215+9A>G (NM_005744.3).
Identifiers: ClinVar variation 2049924 (VCV002049924.6), dbSNP rs184394659, ClinGen allele CA7645691.

ClinVar aggregate classification (germline): Benign. Review status: criteria provided, single submitter (1 of 4 stars). 2 submissions from 2 submitters: Benign (1). 1 of the submissions does not count toward it. Last evaluated 2026-02-04.

Conditions:
ARIH1-related disorder. Also called: ARIH1-related condition.

Allele frequency attached by ClinVar (database versions not stated): ESP Exome Variant Server 0.00008; TOPMed 0.00037; gnomAD 0.00038; 1000 Genomes Project 30x 0.00047; 1000 Genomes Project 0.00060.
gnomAD v4.1: 259 of 1,581,542 alleles (0.016%); highest among the groups gnomAD compares: East Asian, 0.33%; 3 homozygotes.

Submissions (2):

Labcorp Genetics (formerly Invitae), Labcorp
Classification: Benign. Last evaluated: 2026-02-04. Review status: criteria provided, single submitter. Criteria: Invitae Variant Classification Sherloc (09022015). Collection method: clinical testing. Allele origin: germline.

PreventionGenetics, part of Exact Sciences
Classification: Likely benign for ARIH1-related condition. Last evaluated: 2020-07-01. Review status: no assertion criteria provided. Collection method: clinical testing. Allele origin: germline. Not counted in ClinVar's aggregate classification.
Comment: This variant is classified as likely benign based on ACMG/AMP sequence variant interpretation guidelines (Richards et al. 2015 PMID: 25741868, with internal and published modifications).